The following is an entry in ClinVar:

ClinVar aggregate classification (germline): Uncertain significance (1 of 4 stars; one submission).

Allele frequency attached by ClinVar (database versions not stated): gnomAD exomes below 0.00001; ExAC 0.00001; gnomAD 0.00001.
gnomAD v4.1: 3 of 1,612,520 alleles (0.00019%); highest among the groups gnomAD compares: Non-Finnish European, 0.00025%; no homozygotes.

Submission:

Labcorp Genetics (formerly Invitae), Labcorp
Classification: Uncertain significance. Last evaluated: 2021-09-01. Review status: criteria provided, single submitter. Criteria: Invitae Variant Classification Sherloc (09022015). Collection method: clinical testing. Allele origin: germline.
Comment: This sequence change replaces alanine with threonine at codon 1563 of the MYO7A protein (p.Ala1563Thr). The alanine residue is moderately conserved and there is a small physicochemical difference between alanine and threonine. This variant is present in population databases (rs771213750, ExAC 0.002%). This variant has not been reported in the literature in individuals affected with MYO7A-related conditions. Algorithms developed to predict the effect of missense changes on protein structure and function (SIFT, PolyPhen-2, Align-GVGD) all suggest that this variant is likely to be tolerated. In summary, the available evidence is currently insufficient to determine the role of this variant in disease. Therefore, it has been classified as a Variant of Uncertain Significance.

NM_000260.4(MYO7A):c.4687G>A (p.Ala1563Thr)

Gene: MYO7A (myosin VIIA; plus strand). Cytogenetic location: 11q13.5.
Variant type: single nucleotide variant.
Coding change: c.4687G>A on transcript NM_000260.4 (MANE Select); coding-DNA position 4687, G replaced by A.
Protein change: p.Ala1563Thr; replaces alanine 1563 with threonine.
Molecular consequence: missense variant.
Genome position (GRCh38, 1-based): chr11:77,199,653, G>A. VCF-style: chr11-77199653-G-A. GRCh37 (hg19) VCF-style: chr11-76910698-G-A.
Other names: c.4573G>A, p.Ala1525Thr (NM_001127180.2); c.4540G>A, p.Ala1514Thr (NM_001369365.1); short protein forms A1525T, A1514T, A1563T.
Identifiers: ClinVar variation 2141417 (VCV002141417.1), dbSNP rs771213750, ClinGen allele CA6198519.